The following is an entry in ClinVar:

ClinVar aggregate classification (germline): Uncertain significance (1 of 4 stars; one submission).

Conditions:
Breast-ovarian cancer, familial, susceptibility to, 4. Identifiers: Orphanet 145, MedGen C3280345, MONDO:0013669, OMIM 614291.

Submission:

MGZ Medical Genetics Center
Classification: Uncertain significance for Breast-ovarian cancer, familial, susceptibility to, 4. Last evaluated: 2022-07-29. Review status: criteria provided, single submitter. Criteria: ACMG Guidelines, 2015. Collection method: clinical testing. Allele origin: germline. Affected: yes. Observed: 1 variant allele.
Comment: ACMG criteria applied: PVS1_MOD, PM2_SUP

NM_002878.4(RAD51D):c.916C>T (p.Gln306Ter)

Genes: RAD51L3-RFFL (RAD51L3-RFFL readthrough; minus strand), RAD51D (RAD51 paralog D; minus strand). Cytogenetic location: 17q12.
Variant type: single nucleotide variant.
Coding change: c.916C>T on transcript NM_002878.4 (MANE Select); coding-DNA position 916, C replaced by T.
Protein change: p.Gln306Ter; replaces glutamine 306 with a stop codon.
Molecular consequence: nonsense. On other transcripts: non-coding transcript variant (2).
Genome position (GRCh38, 1-based): chr17:35,101,024, G>A on the plus strand (C>T on the coding strand, the complement: RAD51D is on the minus strand). VCF-style: chr17-35101024-G-A. GRCh37 (hg19) VCF-style: chr17-33428043-G-A.
Other names: c.976C>T, p.Gln326Ter (NM_001142571.2); c.580C>T, p.Gln194Ter (NM_133629.3); short protein forms Q194*, Q306*, Q326*.
Identifiers: ClinVar variation 1709588 (VCV001709588.2), dbSNP rs2142409312, ClinGen allele CA399086168.